The following is an entry in ClinVar:

NM_032043.3(BRIP1):c.1580T>G (p.Leu527Arg)

Gene: BRIP1 (BRCA1 interacting DNA helicase 1; minus strand). Cytogenetic location: 17q23.2.
Variant type: single nucleotide variant.
Coding change: c.1580T>G on transcript NM_032043.3 (MANE Select); coding-DNA position 1580, T replaced by G.
Protein change: p.Leu527Arg; replaces leucine 527 with arginine.
Molecular consequence: missense variant.
Genome position (GRCh38, 1-based): chr17:61,784,318, A>C on the plus strand (T>G on the coding strand, the complement: BRIP1 is on the minus strand). VCF-style: chr17-61784318-A-C. GRCh37 (hg19) VCF-style: chr17-59861679-A-C.
Other names: short protein forms L527R.
Identifiers: ClinVar variation 819584 (VCV000819584.10), dbSNP rs1603336934, ClinGen allele CA400481066.
Genomic context (GRCh38, chr17:61,784,318, plus strand): 5'-ATCTTCACTTACCTGCTATTTTGCCTAAAAAGATAGTCAAGTACCATAAAAAGTCCTTTA[A>C]GCATTATTTGAGTTGATGCACTAATAACAGGTACTTCTCTTGCCTCCTCTTTACCATAAA-3'
Protein context (NP_114432.2, residues 517-537): PVISASTQIM[Leu527Arg]KGLFMVLDYL

ClinVar aggregate classification (germline): Uncertain significance. Review status: criteria provided, multiple submitters, no conflicts (2 of 4 stars). 3 submissions from 3 submitters: Uncertain significance (3). Last evaluated 2023-09-16.

Conditions:
Familial cancer of breast. Also called: Hereditary breast cancer; hereditary breast carcinoma; BREAST CANCER, FAMILIAL. Identifiers: Orphanet 227535, MedGen C0346153, MONDO:0016419, OMIM 114480. Disease mechanism: loss of function.
Fanconi anemia complementation group J. Also called: BRIP1-Related Fanconi Anemia. Identifiers: Orphanet 84, MedGen C1836860, MONDO:0012187, OMIM 609054.
Hereditary cancer-predisposing syndrome. Also called: Hereditary Cancer Syndrome; Neoplastic Syndromes, Hereditary; Hereditary neoplastic syndrome; Tumor predisposition. Identifiers: Orphanet 140162, MedGen C0027672, MeSH D009386, MONDO:0015356.

Submissions (3):

Ambry Genetics
Classification: Uncertain significance for Hereditary cancer-predisposing syndrome. Last evaluated: 2023-09-16. Review status: criteria provided, single submitter. Criteria: Ambry Variant Classification Scheme 2023. Collection method: clinical testing. Allele origin: germline.
Comment: The p.L527R variant (also known as c.1580T>G), located in coding exon 10 of the BRIP1 gene, results from a T to G substitution at nucleotide position 1580. The leucine at codon 527 is replaced by arginine, an amino acid with dissimilar properties. This amino acid position is highly conserved in available vertebrate species. In addition, this alteration is predicted to be deleterious by in silico analysis. Since supporting evidence is limited at this time, the clinical significance of this alteration remains unclear.

Baylor Genetics
Classification: Uncertain significance for Familial cancer of breast. Last evaluated: 2023-07-17. Review status: criteria provided, single submitter. Criteria: ACMG Guidelines, 2015. Collection method: clinical testing. Allele origin: unknown.

Labcorp Genetics (formerly Invitae), Labcorp
Classification: Uncertain significance for Familial cancer of breast; Fanconi anemia complementation group J. Last evaluated: 2022-10-19. Review status: criteria provided, single submitter. Criteria: Invitae Variant Classification Sherloc (09022015). Collection method: clinical testing. Allele origin: germline.
Comment: ClinVar contains an entry for this variant (Variation ID: 819584). In summary, the available evidence is currently insufficient to determine the role of this variant in disease. Therefore, it has been classified as a Variant of Uncertain Significance. Advanced modeling of protein sequence and biophysical properties (such as structural, functional, and spatial information, amino acid conservation, physicochemical variation, residue mobility, and thermodynamic stability) performed at Invitae indicates that this missense variant is expected to disrupt BRIP1 protein function. This variant has not been reported in the literature in individuals affected with BRIP1-related conditions. This variant is not present in population databases (gnomAD no frequency). This sequence change replaces leucine, which is neutral and non-polar, with arginine, which is basic and polar, at codon 527 of the BRIP1 protein (p.Leu527Arg).